The following is an entry in ClinVar:

ClinVar aggregate classification (germline): Uncertain significance. Review status: criteria provided, multiple submitters, no conflicts (2 of 4 stars). 2 submissions from 2 submitters: Uncertain significance (2). Last evaluated 2023-11-29.

Conditions:
Hereditary cancer-predisposing syndrome. Also called: Neoplastic Syndromes, Hereditary; Hereditary neoplastic syndrome; Tumor predisposition; Hereditary Cancer Syndrome. Identifiers: Orphanet 140162, MedGen C0027672, MeSH D009386, MONDO:0015356.
Bloom syndrome (BLM). Also called: Bloom-Torre-Machacek syndrome. Identifiers: Orphanet 125, MedGen C0005859, MONDO:0008876, OMIM 210900.

Allele frequency attached by ClinVar (database versions not stated): TOPMed below 0.00001; ExAC 0.00001.

Submissions (2):

Ambry Genetics
Classification: Uncertain significance for Hereditary cancer-predisposing syndrome. Last evaluated: 2023-11-29. Review status: criteria provided, single submitter. Criteria: Ambry Variant Classification Scheme 2023. Collection method: clinical testing. Allele origin: germline.
Comment: The p.V1171M variant (also known as c.3511G>A), located in coding exon 17 of the BLM gene, results from a G to A substitution at nucleotide position 3511. The valine at codon 1171 is replaced by methionine, an amino acid with highly similar properties. This amino acid position is conserved. In addition, this alteration is predicted to be tolerated by in silico analysis. Since supporting evidence is limited at this time, the clinical significance of this alteration remains unclear.

Labcorp Genetics (formerly Invitae), Labcorp
Classification: Uncertain significance for Bloom syndrome. Last evaluated: 2022-03-23. Review status: criteria provided, single submitter. Criteria: Invitae Variant Classification Sherloc (09022015). Collection method: clinical testing. Allele origin: germline.
Comment: This variant has not been reported in the literature in individuals affected with BLM-related conditions. In summary, the available evidence is currently insufficient to determine the role of this variant in disease. Therefore, it has been classified as a Variant of Uncertain Significance. Algorithms developed to predict the effect of missense changes on protein structure and function output the following: SIFT: "Deleterious"; PolyPhen-2: "Benign"; Align-GVGD: "Class C0". The methionine amino acid residue is found in multiple mammalian species, which suggests that this missense change does not adversely affect protein function. ClinVar contains an entry for this variant (Variation ID: 524768). This variant is not present in population databases (gnomAD no frequency). This sequence change replaces valine, which is neutral and non-polar, with methionine, which is neutral and non-polar, at codon 1171 of the BLM protein (p.Val1171Met).

NM_000057.4(BLM):c.3511G>A (p.Val1171Met)

Gene: BLM (BLM RecQ like helicase; plus strand). Cytogenetic location: 15q26.1.
Variant type: single nucleotide variant.
Coding change: c.3511G>A on transcript NM_000057.4 (MANE Select); coding-DNA position 3511, G replaced by A.
Protein change: p.Val1171Met; replaces valine 1171 with methionine.
Molecular consequence: missense variant. On other transcripts: intron variant (1).
Genome position (GRCh38, 1-based): chr15:90,803,673, G>A. VCF-style: chr15-90803673-G-A. GRCh37 (hg19) VCF-style: chr15-91346903-G-A.
Other names: c.3511G>A (NM_000057.2); c.3511G>A, p.Val1171Met (NM_001287246.2); c.2386G>A, p.Val796Met (NM_001287248.2); c.3358+5336G>A (NM_001287247.2); short protein forms V1171M, V796M.
Identifiers: ClinVar variation 524768 (VCV000524768.11), dbSNP rs770585247, ClinGen allele CA7739049.
Genomic context (GRCh38, chr15:90,803,673, plus strand): 5'-CTTGACAAGATTTTGGATGAAGACTTATATATCAATGCCAATGACCAGGCGATCGCTTAT[G>A]TGATGCTCGGAAATAAAGCCCAAACTGTACTAAATGGCAATTTAAAGGTATAGTATTTTT-3'
Protein context (NP_000048.1, residues 1161-1181): INANDQAIAY[Val1171Met]MLGNKAQTVL